The following is an entry in ClinVar:

NM_003242.6(TGFBR2):c.76C>T (p.Pro26Ser)

Gene: TGFBR2 (transforming growth factor beta receptor 2; plus strand). Cytogenetic location: 3p24.1.
Variant type: single nucleotide variant.
Coding change: c.76C>T on transcript NM_003242.6 (MANE Select); coding-DNA position 76, C replaced by T.
Protein change: p.Pro26Ser; replaces proline 26 with serine.
Molecular consequence: missense variant.
Genome position (GRCh38, 1-based): chr3:30,606,959, C>T. VCF-style: chr3-30606959-C-T. GRCh37 (hg19) VCF-style: chr3-30648451-C-T.
Other names: c.76C>T, p.Pro26Ser (NM_001024847.3, NM_001407126.1, NM_001407127.1 and 4 more transcripts); c.-208C>T (NM_001407133.1); c.-86C>T (NM_001407134.1); c.-133C>T (NM_001407135.1); c.-218C>T (NM_001407136.1); short protein forms P26S.
Identifiers: ClinVar variation 858705 (VCV000858705.19), dbSNP rs764160271, ClinGen allele CA049857.
Genomic context (GRCh38, chr3:30,606,959, plus strand): 5'-CTCAGGGGCCTGTGGCCGCTGCACATCGTCCTGTGGACGCGTATCGCCAGCACGATCCCA[C>T]CGCACGTTCAGAAGTCGGGTGAGTGGTCCCCAGCCCGGGCTCGGCGGGGCGCCGGGGGTC-3'
Protein context (NP_003233.4, residues 16-36): LWTRIASTIP[Pro26Ser]HVQKSVNNDM

ClinVar aggregate classification (germline): Uncertain significance/Uncertain risk allele. Review status: criteria provided, multiple submitters, no conflicts (2 of 4 stars). 7 submissions from 7 submitters: Uncertain significance (6); Uncertain risk allele (1). Last evaluated 2025-08-19.

Conditions:
Loeys-Dietz syndrome 2 (LDS2). Also called: TGFBR2-Related Loeys-Dietz Syndrome; Marfan Syndrome type 2; Marfan like connective tissue disorder; MFS 2; Marfan syndrome, type 2 (formerly); AORTIC ANEURYSM, FAMILIAL THORACIC 3. Identifiers: Orphanet 284973, Orphanet 558, MedGen C2674574, MONDO:0012427, OMIM 610168.
Malignant tumor of esophagus. Also called: Esophageal cancer; Esophageal cancer, somatic. Identifiers: Orphanet 99977, MedGen C0546837, MONDO:0007576, OMIM 133239.
Colorectal cancer, hereditary nonpolyposis, type 6. Also called: Colon cancer, hereditary nonpolyposis, type 6; Colon cancer, hereditary nonpolyposis, type 6, somatic. Identifiers: Orphanet 144, MedGen C1860896, MONDO:0013695, OMIM 614331.
Diabetic retinopathy. Identifiers: MedGen C0011884, MONDO:0005266.
Familial thoracic aortic aneurysm and aortic dissection (TAAD). Also called: Thoracic aortic aneurysms and dissections. Identifiers: Orphanet 91387, MedGen C4707243, MONDO:0019625.

Allele frequency attached by ClinVar (database versions not stated): TOPMed below 0.00001; gnomAD 0.00001; gnomAD exomes 0.00001; ExAC 0.00004.
gnomAD v4.1: 19 of 1,601,360 alleles (0.0012%); highest among the groups gnomAD compares: Non-Finnish European, 0.0016%; no homozygotes.

Submissions (7):

Ambry Genetics
Classification: Uncertain significance for Familial thoracic aortic aneurysm and aortic dissection. Last evaluated: 2025-08-19. Review status: criteria provided, single submitter. Criteria: Ambry Variant Classification Scheme 2023. Collection method: clinical testing. Allele origin: germline.
Comment: The p.P26S variant (also known as c.76C>T), located in coding exon 1 of the TGFBR2 gene, results from a C to T substitution at nucleotide position 76. The proline at codon 26 is replaced by serine, an amino acid with similar properties. This amino acid position is well conserved in available vertebrate species. In addition, the in silico prediction for this alteration is inconclusive. Since supporting evidence is limited at this time, the clinical significance of this alteration remains unclear.

Labcorp Genetics (formerly Invitae), Labcorp
Classification: Uncertain significance for Familial thoracic aortic aneurysm and aortic dissection. Last evaluated: 2025-07-20. Review status: criteria provided, single submitter. Criteria: Invitae Variant Classification Sherloc (09022015). Collection method: clinical testing. Allele origin: germline.
Comment: This sequence change replaces proline, which is neutral and non-polar, with serine, which is neutral and polar, at codon 26 of the TGFBR2 protein (p.Pro26Ser). The frequency data for this variant in the population databases is considered unreliable, as metrics indicate poor data quality at this position in the gnomAD database. This variant has not been reported in the literature in individuals affected with TGFBR2-related conditions. ClinVar contains an entry for this variant (Variation ID: 858705). Invitae Evidence Modeling of protein sequence and biophysical properties (such as structural, functional, and spatial information, amino acid conservation, physicochemical variation, residue mobility, and thermodynamic stability) has been performed for this missense variant. However, the output from this modeling did not meet the statistical confidence thresholds required to predict the impact of this variant on TGFBR2 protein function. In summary, the available evidence is currently insufficient to determine the role of this variant in disease. Therefore, it has been classified as a Variant of Uncertain Significance.

All of Us Research Program, National Institutes of Health
Classification: Uncertain significance for Loeys-Dietz syndrome 2. Last evaluated: 2024-06-09. Review status: criteria provided, single submitter. Criteria: ACMG Guidelines, 2015. Collection method: clinical testing. Allele origin: germline. Inheritance: Autosomal dominant inheritance. Observed: 7 variant alleles, 7 heterozygotes.
Comment: This missense variant replaces proline with serine at codon 26 of the TGFBR2 protein. Computational prediction suggests that this variant may not impact protein structure and function (internally defined REVEL score threshold <= 0.5, PMID: 27666373). To our knowledge, functional studies have not been reported for this variant. This variant has not been reported in individuals affected with TGFBR2-related disorders in the literature. This variant has been identified in 4/252882 chromosomes in the general population by the Genome Aggregation Database (gnomAD). The available evidence is insufficient to determine the role of this variant in disease conclusively. Therefore, this variant is classified as a Variant of Uncertain Significance.

This study involves interpretation of variants in research participants for the purpose of population health screening. Participant phenotype was not available at the time of variant classification. Additional details can be found in publication PMID: 35346344, PMCID: PMC8962531

Color Diagnostics, LLC DBA Color Health
Classification: Uncertain significance for Familial thoracic aortic aneurysm and aortic dissection. Last evaluated: 2024-03-06. Review status: criteria provided, single submitter. Criteria: ACMG Guidelines, 2015. Collection method: clinical testing. Allele origin: germline.
Comment: This missense variant replaces proline with serine at codon 26 of the TGFBR2 protein. Computational prediction suggests that this variant may not impact protein structure and function (internally defined REVEL score threshold <= 0.5, PMID: 27666373). To our knowledge, functional studies have not been reported for this variant. This variant has not been reported in individuals affected with TGFBR2-related disorders in the literature. This variant has been identified in 4/252882 chromosomes in the general population by the Genome Aggregation Database (gnomAD). The available evidence is insufficient to determine the role of this variant in disease conclusively. Therefore, this variant is classified as a Variant of Uncertain Significance.

GeneDx
Classification: Uncertain significance. Last evaluated: 2023-03-02. Review status: criteria provided, single submitter. Criteria: GeneDx Variant Classification Process June 2021. Collection method: clinical testing. Allele origin: germline. Affected: yes.
Comment: Has not been previously published as pathogenic or benign to our knowledge; In silico analysis supports that this missense variant does not alter protein structure/function

Fulgent Genetics
Classification: Uncertain significance for Malignant tumor of esophagus; Loeys-Dietz syndrome 2; Colorectal cancer, hereditary nonpolyposis, type 6. Last evaluated: 2021-08-05. Review status: criteria provided, single submitter. Criteria: ACMG Guidelines, 2015. Collection method: clinical testing. Allele origin: unknown.

Clinical Genomics, Uppaluri K&H Personalized Medicine Clinic
Classification: Uncertain risk allele for Diabetic retinopathy. Review status: criteria provided, single submitter. Criteria: K And H Uppaluri Personalized Medicine Clinic Variant Classification And Assertion Criteria Updated V 2. Collection method: research. Allele origin: unknown.
Comment: Potent mutations in TGFBR2 gene encodes the transforming growth factor that have been associated with angiogenesis and diabetic retinopathy. More clinical studies are needed for stronger association. However, more evidence is required to confer the association of this particular variant rs764160271 with diabetic retinopathy.

Literature cited by the submitters: PubMed 30222965 (cited by Clinical Genomics, Uppaluri K&H Personalized Medicine Clinic); PubMed 28162229 (cited by Clinical Genomics, Uppaluri K&H Personalized Medicine Clinic); PubMed 34572573 (cited by Clinical Genomics, Uppaluri K&H Personalized Medicine Clinic).